The following is an entry in ClinVar:

ClinVar aggregate classification (germline): Uncertain significance (1 of 4 stars; one submission).

Conditions:
Hereditary cancer-predisposing syndrome. Also called: Tumor predisposition; Hereditary neoplastic syndrome; Neoplastic Syndromes, Hereditary; Hereditary Cancer Syndrome. Identifiers: Orphanet 140162, MedGen C0027672, MeSH D009386, MONDO:0015356.

Submission:

Labcorp Genetics (formerly Invitae), Labcorp
Classification: Uncertain significance for Hereditary cancer-predisposing syndrome. Last evaluated: 2021-02-02. Review status: criteria provided, single submitter. Criteria: Invitae Variant Classification Sherloc (09022015). Collection method: clinical testing. Allele origin: germline.
Comment: In summary, the available evidence is currently insufficient to determine the role of this variant in disease. Therefore, it has been classified as a Variant of Uncertain Significance. Nucleotide substitutions within the consensus splice site are a relatively common cause of aberrant splicing (PMID: 17576681, 9536098). Algorithms developed to predict the effect of sequence changes on RNA splicing suggest that this variant is not likely to affect RNA splicing, but this prediction has not been confirmed by published transcriptional studies. This variant has not been reported in the literature in individuals with RAD50-related conditions. This variant is not present in population databases (ExAC no frequency). This sequence change falls in intron 7 of the RAD50 gene. It does not directly change the encoded amino acid sequence of the RAD50 protein. It affects a nucleotide within the consensus splice site of the intron.

Literature cited by the submitters: PubMed 17576681; PubMed 9536098.

NM_005732.4(RAD50):c.1051+6A>T

Gene: RAD50 (RAD50 double strand break repair protein; plus strand). Cytogenetic location: 5q31.1.
Variant type: single nucleotide variant.
Coding change: c.1051+6A>T on transcript NM_005732.4 (MANE Select); 6 bases into the intron after coding-DNA position 1051, A replaced by T.
Molecular consequence: intron variant.
Genome position (GRCh38, 1-based): chr5:132,588,095, A>T. VCF-style: chr5-132588095-A-T. GRCh37 (hg19) VCF-style: chr5-131923787-A-T.
Identifiers: ClinVar variation 1492051 (VCV001492051.6), dbSNP rs1561639245, ClinGen allele CA2573138952.